The following is an entry in ClinVar:

ClinVar aggregate classification (germline): Uncertain significance (1 of 4 stars; one submission).

Allele frequency attached by ClinVar (database versions not stated): gnomAD exomes below 0.00001; ExAC 0.00001.

Submission:

Ambry Genetics
Classification: Uncertain significance. Last evaluated: 2019-12-06. Review status: criteria provided, single submitter. Criteria: Ambry Variant Classification Scheme 2023. Collection method: clinical testing. Allele origin: germline.
Comment: The p.N14K variant (also known as c.42T>G), located in coding exon 1 of the FBXO38 gene, results from a T to G substitution at nucleotide position 42. The asparagine at codon 14 is replaced by lysine, an amino acid with similar properties. This amino acid position is not well conserved in available vertebrate species. In addition, this alteration is predicted to be tolerated by in silico analysis. Since supporting evidence is limited at this time, the clinical significance of this alteration remains unclear.

NM_205836.3(FBXO38):c.42T>G (p.Asn14Lys)

Gene: FBXO38 (F-box protein 38; plus strand). Cytogenetic location: 5q32.
Variant type: single nucleotide variant.
Coding change: c.42T>G on transcript NM_205836.3 (MANE Select); coding-DNA position 42, T replaced by G.
Protein change: p.Asn14Lys; replaces asparagine 14 with lysine.
Molecular consequence: missense variant.
Genome position (GRCh38, 1-based): chr5:148,394,818, T>G. VCF-style: chr5-148394818-T-G. GRCh37 (hg19) VCF-style: chr5-147774381-T-G.
Other names: c.42T>G, p.Asn14Lys (NM_001271723.2, NM_030793.5); short protein forms N14K.
Identifiers: ClinVar variation 1739550 (VCV001739550.2), dbSNP rs765497349, ClinGen allele CA3496944.